The following is an entry in ClinVar:

ClinVar aggregate classification (germline): Uncertain significance (1 of 4 stars; one submission).

Submission:

Ambry Genetics
Classification: Uncertain significance. Last evaluated: 2022-08-22. Review status: criteria provided, single submitter. Criteria: Ambry Variant Classification Scheme 2023. Collection method: clinical testing. Allele origin: germline.
Comment: The p.D109H variant (also known as c.325G>C), located in coding exon 1 of the GALNT12 gene, results from a G to C substitution at nucleotide position 325. The aspartic acid at codon 109 is replaced by histidine, an amino acid with similar properties. This amino acid position is conserved. In addition, the in silico prediction for this alteration is inconclusive. Since supporting evidence is limited at this time, the clinical significance of this alteration remains unclear.

NM_024642.5(GALNT12):c.325G>C (p.Asp109His)

Gene: GALNT12 (polypeptide N-acetylgalactosaminyltransferase 12; plus strand). Cytogenetic location: 9q22.33.
Variant type: single nucleotide variant.
Coding change: c.325G>C on transcript NM_024642.5 (MANE Select); coding-DNA position 325, G replaced by C.
Protein change: p.Asp109His; replaces aspartic acid 109 with histidine.
Molecular consequence: missense variant.
Genome position (GRCh38, 1-based): chr9:98,808,023, G>C. VCF-style: chr9-98808023-G-C. GRCh37 (hg19) VCF-style: chr9-101570305-G-C.
Other names: short protein forms D109H.
Identifiers: ClinVar variation 1729519 (VCV001729519.2), dbSNP rs773910987, ClinGen allele CA374222962.